The following is an entry in ClinVar:

ClinVar aggregate classification (germline): Conflicting classifications of pathogenicity. Review status: criteria provided, conflicting classifications (1 of 4 stars). 9 submissions from 7 submitters: Uncertain significance (8); Likely benign (1). Last evaluated 2026-08-19.

Conditions:
RYR1-related disorder. Also called: RYR1-related condition; RYR1-related disorders. Identifiers: MedGen CN239331.
Congenital multicore myopathy with external ophthalmoplegia (CMYO1B). Also called: Minicore myopathy with external ophthalmoplegia; MULTIMINICORE DISEASE WITH EXTERNAL OPHTHALMOPLEGIA; Congenital myopathy 1B, autosomal recessive; Minicore myopathy; MULTICORE MYOPATHY. Identifiers: Orphanet 598, Orphanet 98905, MedGen C1850674, MONDO:0009712, OMIM 255320, HP:0003789.
Central core myopathy (CMYO1A). Also called: CONGENITAL MYOPATHY 1A, AUTOSOMAL DOMINANT, WITH SUSCEPTIBILITY TO MALIGNANT HYPERTHERMIA; Central core disease; Myopathy, central fibrillar. Identifiers: Orphanet 597, MedGen C5830701, MONDO:0007294, OMIM 117000.
Malignant hyperthermia, susceptibility to, 1 (MHS1). Also called: Malignant hyperthermia suceptibility 1; RYR1-Related Malignant Hyperthermia Susceptibility; Anesthesia related hyperthermia; Malignant hyperpyrexia; Fulminating hyperpyrexia; Pharmacogenic myopathy. Identifiers: Orphanet 423, MedGen C2930980, MONDO:0007783, OMIM 145600.

Allele frequency attached by ClinVar (database versions not stated): ExAC 0.00007; TOPMed 0.00019.
gnomAD v4.1: 134 of 1,601,906 alleles (0.0084%); highest among the groups gnomAD compares: African/African-American, 0.043%; no homozygotes.

Submissions (9):

GeneDx
Classification: Uncertain significance. Last evaluated: 2026-08-19. Review status: criteria provided, single submitter. Criteria: GeneDx Variant Classification Process June 2021. Collection method: clinical testing. Allele origin: germline.
Comment: In silico analysis supports that this missense variant has a deleterious effect on protein structure/function; Has not been previously published as pathogenic or benign to our knowledge; This variant is associated with the following publications: (PMID: 32236737)

Labcorp Genetics (formerly Invitae), Labcorp
Classification: Likely benign for RYR1-related disorder. Last evaluated: 2026-02-01. Review status: criteria provided, single submitter. Criteria: Invitae Variant Classification Sherloc (09022015). Collection method: clinical testing. Allele origin: germline.

PreventionGenetics, part of Exact Sciences
Classification: Uncertain significance for RYR1-related condition. Last evaluated: 2025-04-09. Review status: criteria provided, single submitter. Criteria: ACMG Guidelines, 2015. Collection method: clinical testing. Allele origin: germline.
Comment: The RYR1 c.6023T>C variant is predicted to result in the amino acid substitution p.Met2008Thr. This variant was reported in a large cohort of individuals with suspected RYR1-related disorder; however, clinical details are not provided (Supp. Table 2, Kushnir et al. 2020. PubMed ID: 32236737). At PreventionGenetics, we have observed this variant in the heterozygous state in a patient with periodic paralysis, another with rhabdomyolysis and another with suspected malignant hyperthermia (internal data). However, we have also observed this variant in many individuals without features of RYR1-related disorders, including presumably unaffected adult patients (internal data). This variant is reported in 0.036% of alleles in individuals of African descent in gnomAD, which may be too frequent to be a primary cause of highly penetrant, autosomal dominant disease. At this time, the clinical significance of this variant is uncertain due to the absence of conclusive functional and genetic evidence.

Revvity Omics, Revvity
Classification: Uncertain significance. Last evaluated: 2024-04-25. Review status: criteria provided, single submitter. Criteria: ACMG Guidelines, 2015. Collection method: clinical testing. Allele origin: germline.

Color Diagnostics, LLC DBA Color Health
Classification: Uncertain significance for Malignant hyperthermia, susceptibility to, 1. Last evaluated: 2024-02-03. Review status: criteria provided, single submitter. Criteria: ACMG Guidelines, 2015. Collection method: clinical testing. Allele origin: germline.
Comment: This missense variant replaces methionine with threonine at codon 2008 of the RYR1 protein. Computational prediction suggests that this variant may not impact protein structure and function. To our knowledge, functional studies have not been reported for this variant. This variant has not been reported in individuals affected with RYR1-related disorders in the literature. This variant has been identified in 28/282796 chromosomes in the general population by the Genome Aggregation Database (gnomAD). The available evidence is insufficient to determine the role of this variant in disease conclusively. Therefore, this variant is classified as a Variant of Uncertain Significance.

CeGaT Center for Human Genetics Tuebingen
Classification: Uncertain significance. Last evaluated: 2021-04-01. Review status: criteria provided, single submitter. Criteria: CeGaT Center For Human Genetics Tuebingen Variant Classification Criteria Version 2. Collection method: clinical testing. Allele origin: germline. Affected: yes. Observed: 2 variant alleles.

Illumina Laboratory Services, Illumina
Classification: Uncertain significance for Malignant hyperthermia, susceptibility to, 1. Last evaluated: 2018-01-13. Review status: criteria provided, single submitter. Criteria: ICSL Variant Classification Criteria 13 December 2019. Collection method: clinical testing. Allele origin: germline.

Illumina Laboratory Services, Illumina
Classification: Uncertain significance for Congenital multicore myopathy with external ophthalmoplegia. Last evaluated: 2018-01-13. Review status: criteria provided, single submitter. Criteria: ICSL Variant Classification Criteria 13 December 2019. Collection method: clinical testing. Allele origin: germline.

Illumina Laboratory Services, Illumina
Classification: Uncertain significance for Central core myopathy. Last evaluated: 2018-01-13. Review status: criteria provided, single submitter. Criteria: ICSL Variant Classification Criteria 13 December 2019. Collection method: clinical testing. Allele origin: germline.

NM_000540.3(RYR1):c.6023T>C (p.Met2008Thr)

Gene: RYR1 (ryanodine receptor 1; plus strand). Cytogenetic location: 19q13.2.
Variant type: single nucleotide variant.
Coding change: c.6023T>C on transcript NM_000540.3 (MANE Select); coding-DNA position 6023, T replaced by C.
Protein change: p.Met2008Thr; replaces methionine 2008 with threonine.
Molecular consequence: missense variant.
Genome position (GRCh38, 1-based): chr19:38,490,628, T>C. VCF-style: chr19-38490628-T-C. GRCh37 (hg19) VCF-style: chr19-38981268-T-C.
Other names: c.6023T>C, p.Met2008Thr (NM_001042723.2); short protein forms M2008T.
Identifiers: ClinVar variation 329043 (VCV000329043.68), dbSNP rs199947661, ClinGen allele CA067690.